The following is an entry in ClinVar:

NM_000516.7(GNAS):c.799C>T (p.Gln267Ter)

Gene: GNAS (GNAS complex locus; plus strand). Cytogenetic location: 20q13.32.
Variant type: single nucleotide variant.
Coding change: c.799C>T on transcript NM_000516.7 (MANE Select); coding-DNA position 799, C replaced by T.
Protein change: p.Gln267Ter; replaces glutamine 267 with a stop codon.
Molecular consequence: nonsense. On other transcripts: 3 prime UTR variant (2).
Genome position (GRCh38, 1-based): chr20:58,909,764, C>T. VCF-style: chr20-58909764-C-T. GRCh37 (hg19) VCF-style: chr20-57484819-C-T.
Other names: c.802C>T, p.Gln268Ter (NM_001077488.5); c.754C>T, p.Gln252Ter (NM_001077489.4); c.*660C>T (NM_001077490.3); c.622C>T, p.Gln208Ter (NM_001309840.2, NM_001309861.2); c.703C>T, p.Gln235Ter (NM_001410912.1); c.2683C>T, p.Gln895Ter (NM_001410913.1); c.*705C>T (NM_016592.5); c.2728C>T, p.Gln910Ter (NM_080425.4); and 1 more; short protein forms Q253*, Q910*, Q235*, Q267*, Q268*, Q252*, Q208*, Q895*.
Identifiers: ClinVar variation 3677186 (VCV003677186.2).

ClinVar aggregate classification (germline): Pathogenic (1 of 4 stars; one submission).

Submission:

Labcorp Genetics (formerly Invitae), Labcorp
Classification: Pathogenic. Last evaluated: 2024-04-16. Review status: criteria provided, single submitter. Criteria: Invitae Variant Classification Sherloc (09022015). Collection method: clinical testing. Allele origin: germline.
Comment: This sequence change creates a premature translational stop signal (p.Gln267*) in the GNAS gene. It is expected to result in an absent or disrupted protein product. Loss-of-function variants in GNAS are known to be pathogenic (PMID: 11784876, 23281139, 23796510, 25802881). This variant is not present in population databases (gnomAD no frequency). This premature translational stop signal has been observed in individual(s) with GNAS-related conditions (PMID: 31886927). This variant is also known as c.802C>T p.(Gln268*). For these reasons, this variant has been classified as Pathogenic.

Literature cited by the submitters: PubMed 11784876; PubMed 23281139; PubMed 23796510; PubMed 25802881; PubMed 31886927.